The following is an entry in ClinVar:

NM_001081.4(CUBN):c.2015C>T (p.Pro672Leu)

Gene: CUBN (cubilin; minus strand). Cytogenetic location: 10p13.
Variant type: single nucleotide variant.
Coding change: c.2015C>T on transcript NM_001081.4 (MANE Select); coding-DNA position 2015, C replaced by T.
Protein change: p.Pro672Leu; replaces proline 672 with leucine.
Molecular consequence: missense variant.
Genome position (GRCh38, 1-based): chr10:17,085,692, G>A on the plus strand (C>T on the coding strand, the complement: CUBN is on the minus strand). VCF-style: chr10-17085692-G-A. GRCh37 (hg19) VCF-style: chr10-17127691-G-A.
Other names: short protein forms P672L.
Identifiers: ClinVar variation 2045411 (VCV002045411.5), dbSNP rs776433038, ClinGen allele CA5425120.

ClinVar aggregate classification (germline): Uncertain significance. Review status: criteria provided, multiple submitters, no conflicts (2 of 4 stars). 2 submissions from 2 submitters: Uncertain significance (2). Last evaluated 2024-05-25.

Conditions:
Imerslund-Grasbeck syndrome type 1 (IGS1). Also called: Imerslund-Gräsbeck syndrome 1; Megaloblastic anemia 1, Finnish type; MEGALOBLASTIC ANEMIA, 1. Identifiers: MedGen C4016819, MONDO:0100156, OMIM 261100.
Proteinuria, chronic benign. Identifiers: MedGen C5394384, MONDO:0030042, OMIM 618884.
Imerslund-Grasbeck syndrome. Also called: ENTEROCYTE COBALAMIN MALABSORPTION; ENTEROCYTE INTRINSIC FACTOR RECEPTOR, DEFECT OF; PERNICIOUS ANEMIA, JUVENILE, DUE TO SELECTIVE INTESTINAL MALABSORPTION OF VITAMIN B12, WITH PROTEINURIA; Imerslund-Gräsbeck syndrome; Megaloblastic anemia due to inborn errors of metabolism. Identifiers: Orphanet 35858, MedGen C4551825, MONDO:0009853.

Allele frequency attached by ClinVar (database versions not stated): gnomAD 0.00001.
gnomAD v4.1: 19 of 1,613,914 alleles (0.0012%); highest among the groups gnomAD compares: Admixed American, 0.0017%; no homozygotes.

Submissions (2):

Fulgent Genetics
Classification: Uncertain significance for Imerslund-Grasbeck syndrome type 1; Proteinuria, chronic benign. Last evaluated: 2024-05-25. Review status: criteria provided, single submitter. Criteria: ACMG Guidelines, 2015. Collection method: clinical testing. Allele origin: germline.

Labcorp Genetics (formerly Invitae), Labcorp
Classification: Uncertain significance for Imerslund-Grasbeck syndrome. Last evaluated: 2022-07-29. Review status: criteria provided, single submitter. Criteria: Invitae Variant Classification Sherloc (09022015). Collection method: clinical testing. Allele origin: germline.
Comment: This variant is present in population databases (rs776433038, gnomAD 0.003%). This sequence change replaces proline, which is neutral and non-polar, with leucine, which is neutral and non-polar, at codon 672 of the CUBN protein (p.Pro672Leu). This variant has not been reported in the literature in individuals affected with CUBN-related conditions. In summary, the available evidence is currently insufficient to determine the role of this variant in disease. Therefore, it has been classified as a Variant of Uncertain Significance. Algorithms developed to predict the effect of missense changes on protein structure and function (SIFT, PolyPhen-2, Align-GVGD) all suggest that this variant is likely to be tolerated.